The following is an entry in ClinVar:

NM_001001563.5(TIMM50):c.292-3C>T

Gene: TIMM50 (translocase of inner mitochondrial membrane 50; plus strand). Cytogenetic location: 19q13.2.
Variant type: single nucleotide variant.
Coding change: c.292-3C>T on transcript NM_001001563.5 (MANE Select); 3 bases into the intron before coding-DNA position 292, C replaced by T.
Molecular consequence: intron variant.
Genome position (GRCh38, 1-based): chr19:39,483,132, C>T. VCF-style: chr19-39483132-C-T. GRCh37 (hg19) VCF-style: chr19-39973772-C-T.
Other names: c.12-3C>T (NM_001329559.2).
Identifiers: ClinVar variation 1382028 (VCV001382028.4), dbSNP rs558559020, ClinGen allele CA9431756.
Genomic context (GRCh38, chr19:39,483,132, plus strand): 5'-CTGTATGTGATGGGGTTCTGCCTCTGACATCCTAAACCTTCCATTTTTCTCTCTACCTCC[C>T]AGATTCCTGATGAGTTCGACAATGGTGAGTAAACAAGCACAGATTCTGGAGTCCCTGACC-3'

ClinVar aggregate classification (germline): Uncertain significance (1 of 4 stars; one submission).

Allele frequency attached by ClinVar (database versions not stated): TOPMed below 0.00001; gnomAD 0.00001; gnomAD exomes 0.00004; ExAC 0.00006; 1000 Genomes Project 30x 0.00016; 1000 Genomes Project 0.00020.

Submission:

Labcorp Genetics (formerly Invitae), Labcorp
Classification: Uncertain significance. Last evaluated: 2025-10-13. Review status: criteria provided, single submitter. Criteria: Invitae Variant Classification Sherloc (09022015). Collection method: clinical testing. Allele origin: germline.
Comment: This sequence change falls in intron 3 of the TIMM50 gene. It does not directly change the encoded amino acid sequence of the TIMM50 protein. It affects a nucleotide within the consensus splice site. This variant is present in population databases (rs558559020, gnomAD 0.03%). This variant has not been reported in the literature in individuals affected with TIMM50-related conditions. ClinVar contains an entry for this variant (Variation ID: 1382028). Variants that disrupt the consensus splice site are a relatively common cause of aberrant splicing (PMID: 17576681, 9536098). Algorithms developed to predict the effect of sequence changes on RNA splicing suggest that this variant is not likely to affect RNA splicing. In summary, the available evidence is currently insufficient to determine the role of this variant in disease. Therefore, it has been classified as a Variant of Uncertain Significance.

Literature cited by the submitters: PubMed 17576681; PubMed 9536098.